The following is an entry in ClinVar:

ClinVar aggregate classification (germline): Likely pathogenic (1 of 4 stars; one submission).

Conditions:
Joubert syndrome 8 (JBTS8). Identifiers: Orphanet 475, MedGen C2676771, MONDO:0012855, OMIM 612291.

Allele frequency attached by ClinVar (database versions not stated): gnomAD exomes below 0.00001 and 0.00001; ExAC 0.00001; gnomAD 0.00001; TOPMed 0.00001.
gnomAD v4.1: 4 of 1,605,520 alleles (0.00025%); highest among the groups gnomAD compares: Admixed American, 0.0034%; no homozygotes.

Submission:

Labcorp Genetics (formerly Invitae), Labcorp
Classification: Likely pathogenic for Joubert syndrome 8. Last evaluated: 2020-10-03. Review status: criteria provided, single submitter. Criteria: Invitae Variant Classification Sherloc (09022015). Collection method: clinical testing. Allele origin: germline.
Comment: Algorithms developed to predict the effect of sequence changes on RNA splicing suggest that this variant may disrupt the consensus splice site, but this prediction has not been confirmed by published transcriptional studies. In summary, the currently available evidence indicates that the variant is pathogenic, but additional data are needed to prove that conclusively. Therefore, this variant has been classified as Likely Pathogenic. Donor and acceptor splice site variants typically lead to a loss of protein function (PMID: 16199547), and loss-of-function variants in ARL13B are known to be pathogenic (PMID: 18674751). This variant has not been reported in the literature in individuals with ARL13B-related conditions. This variant is present in population databases (rs761785586, ExAC 0.01%). This sequence change affects a donor splice site in intron 5 of the ARL13B gene. It is expected to disrupt RNA splicing and likely results in an absent or disrupted protein product.

Literature cited by the submitters: PubMed 16199547; PubMed 18674751.

NM_001174150.2(ARL13B):c.689+2T>G

Gene: ARL13B (ARF like GTPase 13B; plus strand). Cytogenetic location: 3q11.2.
Variant type: single nucleotide variant.
Coding change: c.689+2T>G on transcript NM_001174150.2 (MANE Select); the canonical splice donor site of the intron after coding-DNA position 689, T replaced by G.
Molecular consequence: splice donor variant.
Genome position (GRCh38, 1-based): chr3:94,036,756, T>G. VCF-style: chr3-94036756-T-G. GRCh37 (hg19) VCF-style: chr3-93755600-T-G.
Other names: c.644+2T>G (NM_001321328.2); c.689+2T>G (NM_182896.3, NM_001410782.1); c.380+2T>G (NM_001174151.2); c.368+2T>G (NM_144996.4).
Identifiers: ClinVar variation 1068135 (VCV001068135.5), dbSNP rs761785586, ClinGen allele CA2504118.